The following is an entry in ClinVar:

NM_015330.6(SPECC1L):c.362C>T (p.Ser121Phe)

Genes: SPECC1L (sperm antigen with calponin homology and coiled-coil domains 1 like; plus strand), SPECC1L-ADORA2A (SPECC1L-ADORA2A readthrough (NMD candidate); plus strand). Cytogenetic location: 22q11.23.
Variant type: single nucleotide variant.
Coding change: c.362C>T on transcript NM_015330.6 (MANE Select); coding-DNA position 362, C replaced by T.
Protein change: p.Ser121Phe; replaces serine 121 with phenylalanine.
Molecular consequence: missense variant. On other transcripts: non-coding transcript variant (1).
Genome position (GRCh38, 1-based): chr22:24,321,342, C>T. VCF-style: chr22-24321342-C-T. GRCh37 (hg19) VCF-style: chr22-24717310-C-T.
Other names: c.362C>T, p.Ser121Phe (NM_001145468.4, NM_001254732.3); c.362C>T (NM_015330.4, NM_015330.2); short protein forms S121F.
Identifiers: ClinVar variation 2436282 (VCV002436282.11), dbSNP rs575022840, ClinGen allele CA322647158.

ClinVar aggregate classification (germline): Conflicting classifications of pathogenicity. Review status: criteria provided, conflicting classifications (1 of 4 stars). 5 submissions from 5 submitters: Uncertain significance (4); Likely benign (1). Last evaluated 2025-12-17.

Conditions:
SPECC1L-related disorder. Also called: SPECC1L-related condition.
Inborn genetic diseases. Identifiers: MedGen C0950123, MeSH D030342.

Submissions (5):

Dasa
Classification: Uncertain significance. Last evaluated: 2025-12-17. Review status: criteria provided, single submitter. Criteria: DASA Assertion Criteria. Collection method: clinical testing. Allele origin: germline.
Comment: NM_015330.6(SPECC1L):c.362C>T (p.Ser121Phe) is a missense variant that results in the substitution of serine with phenylalanine. This variant is rare in population databases. The currently available literature and clinical evidence are not sufficient to establish a definitive association between this variant and the reported condition. Therefore, this variant is classified as a variant of uncertain significance.

Labcorp Genetics (formerly Invitae), Labcorp
Classification: Likely benign. Last evaluated: 2025-10-02. Review status: criteria provided, single submitter. Criteria: Invitae Variant Classification Sherloc (09022015). Collection method: clinical testing. Allele origin: germline.

PreventionGenetics, part of Exact Sciences
Classification: Uncertain significance for SPECC1L-related condition. Last evaluated: 2025-04-18. Review status: criteria provided, single submitter. Criteria: ACMG Guidelines, 2015. Collection method: clinical testing. Allele origin: germline.
Comment: The SPECC1L c.362C>T variant is predicted to result in the amino acid substitution p.Ser121Phe. To our knowledge, this variant has not been reported in the literature. This variant is reported in 0.0029% of alleles in individuals of Latino descent in gnomAD. At this time, the clinical significance of this variant is uncertain due to the absence of conclusive functional and genetic evidence.

Ambry Genetics
Classification: Uncertain significance for Inborn genetic diseases. Last evaluated: 2023-12-18. Review status: criteria provided, single submitter. Criteria: Ambry Variant Classification Scheme 2023. Collection method: clinical testing. Allele origin: germline.

Revvity Omics, Revvity
Classification: Uncertain significance. Last evaluated: 2021-09-06. Review status: criteria provided, single submitter. Criteria: ACMG Guidelines, 2015. Collection method: clinical testing. Allele origin: germline.